The following is an entry in ClinVar:

NM_181882.3(PRX):c.88A>G (p.Ser30Gly)

Genes: PRX (periaxin; minus strand), LOC130064454 (ATAC-STARR-seq lymphoblastoid active region 14650; plus strand). Cytogenetic location: 19q13.2.
Variant type: single nucleotide variant.
Coding change: c.88A>G on transcript NM_181882.3 (MANE Select); coding-DNA position 88, A replaced by G.
Protein change: p.Ser30Gly; replaces serine 30 with glycine.
Molecular consequence: missense variant.
Genome position (GRCh38, 1-based): chr19:40,403,802, T>C on the plus strand (A>G on the coding strand, the complement: PRX is on the minus strand). VCF-style: chr19-40403802-T-C. GRCh37 (hg19) VCF-style: chr19-40909709-T-C.
Other names: c.373A>G, p.Ser125Gly (NM_001411127.1); c.88A>G, p.Ser30Gly (NM_020956.2); short protein forms S125G, S30G.
Identifiers: ClinVar variation 4977134 (VCV004977134.1).

ClinVar aggregate classification (germline): Uncertain significance (1 of 4 stars; one submission).

Conditions:
PRX-related disorder. Also called: PRX-related condition; PRX-Related Disorders.

gnomAD v4.1: 8 of 1,608,810 alleles (0.0005%); highest among the groups gnomAD compares: Non-Finnish European, 0.00068%; no homozygotes.

Submission:

PreventionGenetics, part of Exact Sciences
Classification: Uncertain significance for PRX-related condition. Last evaluated: 2025-10-23. Review status: criteria provided, single submitter. Criteria: ACMG Guidelines, 2015. Collection method: clinical testing. Allele origin: germline.
Comment: The PRX c.88A>G variant is predicted to result in the amino acid substitution p.Ser30Gly. To our knowledge, this variant has not been reported in the literature. This variant is reported in 0.0037% of alleles in individuals of European (Non-Finnish) descent in gnomAD. At this time, the clinical significance of this variant is uncertain due to the absence of conclusive functional and genetic evidence.